The following is an entry in ClinVar:

NM_000094.4(COL7A1):c.5716C>T (p.Pro1906Ser)

Gene: COL7A1 (collagen type VII alpha 1 chain; minus strand). Cytogenetic location: 3p21.31.
Variant type: single nucleotide variant.
Coding change: c.5716C>T on transcript NM_000094.4 (MANE Select); coding-DNA position 5716, C replaced by T.
Protein change: p.Pro1906Ser; replaces proline 1906 with serine.
Molecular consequence: missense variant.
Genome position (GRCh38, 1-based): chr3:48,576,542, G>A on the plus strand (C>T on the coding strand, the complement: COL7A1 is on the minus strand). VCF-style: chr3-48576542-G-A. GRCh37 (hg19) VCF-style: chr3-48613975-G-A.
Other names: short protein forms P1906S.
Identifiers: ClinVar variation 3716180 (VCV003716180.2).
Genomic context (GRCh38, chr3:48,576,542, plus strand): 5'-AGCCCCCTCACCACGCCCCCTACCCAACATCCGCACTCACCTTGGGGCCCGTGCCTCCTG[G>A]GACACCAGGAAAACCCTGAGATACGGCAGAACACAAAGGGGTCACAAAGGCCCATGGCTT-3'
Protein context (NP_000085.1, residues 1896-1916): GPPGQGFPGV[Pro1906Ser]GGTGPKGDRG

ClinVar aggregate classification (germline): Uncertain significance (1 of 4 stars; one submission).

gnomAD v4.1: 2 of 1,610,690 alleles (0.00012%); highest among the groups gnomAD compares: Non-Finnish European, 0.000085%; no homozygotes.

Submission:

Labcorp Genetics (formerly Invitae), Labcorp
Classification: Uncertain significance. Last evaluated: 2024-04-10. Review status: criteria provided, single submitter. Criteria: Invitae Variant Classification Sherloc (09022015). Collection method: clinical testing. Allele origin: germline.
Comment: This sequence change replaces proline, which is neutral and non-polar, with serine, which is neutral and polar, at codon 1906 of the COL7A1 protein (p.Pro1906Ser). This variant is present in population databases (no rsID available, gnomAD 0.003%). This missense change has been observed in individual(s) with clinical features of COL7A1-related condition (PMID: 27408687). Advanced modeling of protein sequence and biophysical properties (such as structural, functional, and spatial information, amino acid conservation, physicochemical variation, residue mobility, and thermodynamic stability) performed at Invitae indicates that this missense variant is not expected to disrupt COL7A1 protein function with a negative predictive value of 95%. In summary, the available evidence is currently insufficient to determine the role of this variant in disease. Therefore, it has been classified as a Variant of Uncertain Significance.

Literature cited by the submitters: PubMed 27408687.